The following is an entry in ClinVar:

NM_000377.3(WAS):c.458G>T (p.Ser153Ile)

Gene: WAS (WASP actin nucleation promoting factor; plus strand). Cytogenetic location: Xp11.23.
Variant type: single nucleotide variant.
Coding change: c.458G>T on transcript NM_000377.3 (MANE Select); coding-DNA position 458, G replaced by T.
Protein change: p.Ser153Ile; replaces serine 153 with isoleucine.
Molecular consequence: missense variant.
Genome position (GRCh38, 1-based): chrX:48,685,831, G>T. VCF-style: chrX-48685831-G-T. GRCh37 (hg19) VCF-style: chrX-48544220-G-T.
Other names: short protein forms S153I.
Identifiers: ClinVar variation 934472 (VCV000934472.8), dbSNP rs1557006588, ClinGen allele CA412868308.
Genomic context (GRCh38, chrX:48,685,831, plus strand): 5'-AGGCCCAGGCCTTCCGGGCCCTCGTGCAGGAGAAGATACAAAAAAGGAATCAGAGGCAAA[G>T]TGGAGGTGAGGAGGCCACAGGGGAGGAAAGGAAGTTGGGCAGAGGTGAGTGCAAGCCTGG-3'
Protein context (NP_000368.1, residues 143-163): EKIQKRNQRQ[Ser153Ile]GDRRQLPPPP

ClinVar aggregate classification (germline): Uncertain significance (1 of 4 stars; one submission).

Conditions:
Thrombocytopenia 1. Also called: X-linked thrombocytopenia with normal platelets; THROMBOCYTOPENIA, X-LINKED, 1; X-Linked Thrombocytopenia (XLT). Identifiers: Orphanet 268322, Orphanet 852, MedGen C1839163, MONDO:0010743, OMIM 313900.
X-linked severe congenital neutropenia (SCNX). Identifiers: Orphanet 86788, MedGen C1845987, MONDO:0010294, OMIM 300299.
Wiskott-Aldrich syndrome (WAS). Also called: Wiskott-aldrich syndrome, somatic; ALDRICH SYNDROME; IMMUNODEFICIENCY 2; WISKOTT-ALDRICH SYNDROME 1. Identifiers: Orphanet 906, MedGen C0043194, MONDO:0010518, OMIM 301000.

Allele frequency attached by ClinVar (database versions not stated): gnomAD exomes 0.00001.
gnomAD v4.1: 3 of 1,200,357 alleles (0.00025%); highest among the groups gnomAD compares: Non-Finnish European, 0.00034%; no homozygotes.

Submission:

Labcorp Genetics (formerly Invitae), Labcorp
Classification: Uncertain significance for Wiskott-Aldrich syndrome; X-linked severe congenital neutropenia; Thrombocytopenia 1. Last evaluated: 2023-03-21. Review status: criteria provided, single submitter. Criteria: Invitae Variant Classification Sherloc (09022015). Collection method: clinical testing. Allele origin: germline.
Comment: Advanced modeling of protein sequence and biophysical properties (such as structural, functional, and spatial information, amino acid conservation, physicochemical variation, residue mobility, and thermodynamic stability) performed at Invitae indicates that this missense variant is not expected to disrupt WAS protein function. In summary, the available evidence is currently insufficient to determine the role of this variant in disease. Therefore, it has been classified as a Variant of Uncertain Significance. ClinVar contains an entry for this variant (Variation ID: 934472). This variant has not been reported in the literature in individuals affected with WAS-related conditions. The frequency data for this variant in the population databases is considered unreliable, as metrics indicate poor data quality at this position in the gnomAD database. This sequence change replaces serine, which is neutral and polar, with isoleucine, which is neutral and non-polar, at codon 153 of the WAS protein (p.Ser153Ile).